The following is an entry in ClinVar:

NM_003640.5(ELP1):c.529C>T (p.Gln177Ter)

Gene: ELP1 (elongator acetyltransferase complex subunit 1; minus strand). Cytogenetic location: 9q31.3.
Variant type: single nucleotide variant.
Coding change: c.529C>T on transcript NM_003640.5 (MANE Select); coding-DNA position 529, C replaced by T.
Protein change: p.Gln177Ter; replaces glutamine 177 with a stop codon.
Molecular consequence: nonsense. On other transcripts: 5 prime UTR variant (1).
Genome position (GRCh38, 1-based): chr9:108,922,865, G>A on the plus strand (C>T on the coding strand, the complement: ELP1 is on the minus strand). VCF-style: chr9-108922865-G-A. GRCh37 (hg19) VCF-style: chr9-111685145-G-A.
Other names: c.187C>T, p.Gln63Ter (NM_001318360.2); c.-331C>T (NM_001330749.2); short protein forms Q177*, Q63*.
Identifiers: ClinVar variation 1725033 (VCV001725033.2), dbSNP rs2537949763, ClinGen allele CA374389220.

ClinVar aggregate classification (germline): Likely pathogenic (1 of 4 stars; one submission).

Conditions:
Familial dysautonomia. Also called: HSAN III; FD. Identifiers: Orphanet 1764, MedGen C0013364, MONDO:0009131, OMIM 223900. Disease mechanism: loss of function.

Submission:

Myriad Genetics, Inc.
Classification: Likely pathogenic for Familial dysautonomia. Last evaluated: 2022-03-05. Review status: criteria provided, single submitter. Criteria: Myriad Women's Health Autosomal Recessive and X-Linked Classification Criteria (2021). Collection method: clinical testing. Allele origin: unknown.
Comment: NM_003640.3(ELP1):c.529C>T(Q177*) is expected to be pathogenic in the context of familial dysautonomia. This variant is predicted to lead to an abnormal or absent protein product due to the creation of a premature termination codon in ELP1, a gene where loss-of-function variants are known to be pathogenic. Please note: this variant was assessed in the context of healthy population screening.